The following is an entry in ClinVar:

ClinVar aggregate classification (germline): Pathogenic. Review status: criteria provided, single submitter (1 of 4 stars). 2 submissions from 2 submitters: Pathogenic (1). 1 of the submissions does not count toward it. Last evaluated 2023-01-27.

Conditions:
Intellectual disability-cardiac anomalies-short stature-joint laxity syndrome. Identifiers: Orphanet 508498, MedGen C5568572, MONDO:0034989.

Submissions (2):

GeneDx
Classification: Pathogenic. Last evaluated: 2023-01-27. Review status: criteria provided, single submitter. Criteria: GeneDx Variant Classification Process June 2021. Collection method: clinical testing. Allele origin: germline. Affected: yes.
Comment: Nonsense variant predicted to result in protein truncation or nonsense mediated decay in a gene for which loss-of-function is a known mechanism of disease; Not observed in large population cohorts (gnomAD); Has not been previously published as pathogenic or benign to our knowledge

Division of Pediatric Neurology, Department of Pediatrics, University Hospital Cologne
Classification: Likely pathogenic for Intellectual disability-cardiac anomalies-short stature-joint laxity syndrome. Review status: no assertion criteria provided. Collection method: clinical testing. Allele origin: de novo. Affected: yes. Observed: 1 heterozygote. Not counted in ClinVar's aggregate classification.
Comment: The de novo heterozygous c.1123C>T, (p.Gln375Ter) variant was absent from healthy population databases (gnomAD v.3.1.2). This variant likely results in reduced protein expression. A previous study has reported a similar phenotype with a frameshift-truncating variant located closely to this variant (Fennell et al., 2022).

Literature cited by the submitters: DOI 10.1002/ajmg.a.62950 (cited by Division of Pediatric Neurology, Department of Pediatrics, University Hospital Cologne).

NM_078480.3(PUF60):c.1123C>T (p.Gln375Ter)

Gene: PUF60 (poly(U) binding splicing factor 60; minus strand). Cytogenetic location: 8q24.3.
Variant type: single nucleotide variant.
Coding change: c.1123C>T on transcript NM_078480.3 (MANE Select); coding-DNA position 1123, C replaced by T.
Protein change: p.Gln375Ter; replaces glutamine 375 with a stop codon.
Molecular consequence: nonsense.
Genome position (GRCh38, 1-based): chr8:143,817,352, G>A on the plus strand (C>T on the coding strand, the complement: PUF60 is on the minus strand). VCF-style: chr8-143817352-G-A. GRCh37 (hg19) VCF-style: chr8-144899522-G-A.
Other names: c.994C>T, p.Gln332Ter (NM_001136033.3); c.1069C>T, p.Gln357Ter (NM_001271096.2); c.985C>T, p.Gln329Ter (NM_001271097.2); c.1120C>T, p.Gln374Ter (NM_001271098.2); c.1036C>T, p.Gln346Ter (NM_001271099.2); c.943C>T, p.Gln315Ter (NM_001271100.2); c.1234C>T, p.Gln412Ter (NM_001362895.2, NM_001362896.2); c.1183C>T, p.Gln395Ter (NM_001362897.2); and 1 more; short protein forms Q315*, Q329*, Q332*, Q346*, Q357*, Q358*, Q374*, Q375*.
Identifiers: ClinVar variation 1691649 (VCV001691649.7), dbSNP rs2130231971, ClinGen allele CA372488128.
Genomic context (GRCh38, chr8:143,817,352, plus strand): 5'-GACAGGAGAGGAGAGGATCTGGTACCACTTAAGACTCACCTGTGATGACTCCAGGTGCCT[G>A]GGCAGCCATGACAGCCTGGGGCAAAGTGCCCAGGGGCTGGGCCAGGGTCAGTGCTGGGGA-3'